The following is an entry in ClinVar:

NM_005506.4(SCARB2):c.704+17A>G

Gene: SCARB2 (scavenger receptor class B member 2; minus strand). Cytogenetic location: 4q21.1.
Variant type: single nucleotide variant.
Coding change: c.704+17A>G on transcript NM_005506.4 (MANE Select); 17 bases into the intron after coding-DNA position 704, A replaced by G.
Molecular consequence: intron variant.
Genome position (GRCh38, 1-based): chr4:76,176,420, T>C on the plus strand (A>G on the coding strand, the complement: SCARB2 is on the minus strand). VCF-style: chr4-76176420-T-C. GRCh37 (hg19) VCF-style: chr4-77097573-T-C.
Other names: c.276-510A>G (NM_001204255.2).
Identifiers: ClinVar variation 386795 (VCV000386795.8), dbSNP rs762520392, ClinGen allele CA2970287.

ClinVar aggregate classification (germline): Likely benign. Review status: criteria provided, multiple submitters, no conflicts (2 of 4 stars). 2 submissions from 2 submitters: Likely benign (2). Last evaluated 2022-08-23.

Conditions:
Progressive myoclonic epilepsy. Also called: Myoclonic Epilepsies, Progressive; Familial progressive myoclonic epilepsy; Progressive myoclonus epilepsy; Myoclonus epilepsy. Identifiers: Orphanet 308, Orphanet 98261, MedGen C0751778, MONDO:0020074.

Allele frequency attached by ClinVar (database versions not stated): gnomAD exomes below 0.00001; ExAC 0.00001; gnomAD 0.00001; TOPMed 0.00001.
gnomAD v4.1: 7 of 1,553,592 alleles (0.00045%); highest among the groups gnomAD compares: Non-Finnish European, 0.00062%; no homozygotes.

Submissions (2):

Labcorp Genetics (formerly Invitae), Labcorp
Classification: Likely benign for Progressive myoclonic epilepsy. Last evaluated: 2022-08-23. Review status: criteria provided, single submitter. Criteria: Invitae Variant Classification Sherloc (09022015). Collection method: clinical testing. Allele origin: germline.

GeneDx
Classification: Likely benign. Last evaluated: 2016-06-08. Review status: criteria provided, single submitter. Criteria: GeneDx Variant Classification (06012015). Collection method: clinical testing. Allele origin: germline. Affected: yes.
Comment: This variant is considered likely benign or benign based on one or more of the following criteria: it is a conservative change, it occurs at a poorly conserved position in the protein, it is predicted to be benign by multiple in silico algorithms, and/or has population frequency not consistent with disease.